The following is an entry in ClinVar:

ClinVar aggregate classification (germline): Uncertain significance (1 of 4 stars; one submission).

Submission:

Labcorp Genetics (formerly Invitae), Labcorp
Classification: Uncertain significance. Last evaluated: 2025-05-26. Review status: criteria provided, single submitter. Criteria: Invitae Variant Classification Sherloc (09022015). Collection method: clinical testing. Allele origin: germline.
Comment: This sequence change replaces isoleucine, which is neutral and non-polar, with threonine, which is neutral and polar, at codon 3488 of the KMT2C protein (p.Ile3488Thr). This variant is not present in population databases (gnomAD no frequency). This variant has not been reported in the literature in individuals affected with KMT2C-related conditions. ClinVar contains an entry for this variant (Variation ID: 2870438). Invitae Evidence Modeling of protein sequence and biophysical properties (such as structural, functional, and spatial information, amino acid conservation, physicochemical variation, residue mobility, and thermodynamic stability) indicates that this missense variant is not expected to disrupt KMT2C protein function with a negative predictive value of 80%. In summary, the available evidence is currently insufficient to determine the role of this variant in disease. Therefore, it has been classified as a Variant of Uncertain Significance.

NM_170606.3(KMT2C):c.10463T>C (p.Ile3488Thr)

Gene: KMT2C (lysine methyltransferase 2C; minus strand). Cytogenetic location: 7q36.1.
Variant type: single nucleotide variant.
Coding change: c.10463T>C on transcript NM_170606.3 (MANE Select); coding-DNA position 10463, T replaced by C.
Protein change: p.Ile3488Thr; replaces isoleucine 3488 with threonine.
Molecular consequence: missense variant.
Genome position (GRCh38, 1-based): chr7:152,163,114, A>G on the plus strand (T>C on the coding strand, the complement: KMT2C is on the minus strand). VCF-style: chr7-152163114-A-G. GRCh37 (hg19) VCF-style: chr7-151860199-A-G.
Other names: short protein forms I3488T.
Identifiers: ClinVar variation 2870438 (VCV002870438.3), dbSNP rs2092544612, ClinGen allele CA370103648.